The following is an entry in ClinVar:

NM_182588.3(RGPD4):c.3642A>G (p.Thr1214=)

Gene: RGPD4 (RANBP2 like and GRIP domain containing 4; plus strand). Cytogenetic location: 2q12.3.
Variant type: single nucleotide variant.
Coding change: c.3642A>G on transcript NM_182588.3 (MANE Select); coding-DNA position 3642, A replaced by G.
Protein change: p.Thr1214=; no amino-acid change (threonine 1214 retained).
Molecular consequence: synonymous variant.
Genome position (GRCh38, 1-based): chr2:107,871,646, A>G. VCF-style: chr2-107871646-A-G. GRCh37 (hg19) VCF-style: chr2-108488102-A-G.
Identifiers: ClinVar variation 3388477 (VCV003388477.14).

ClinVar aggregate classification (germline): Likely benign (1 of 4 stars; one submission).

Submission:

CeGaT Center for Human Genetics Tuebingen
Classification: Likely benign. Last evaluated: 2024-09-01. Review status: criteria provided, single submitter. Criteria: CeGaT Center For Human Genetics Tuebingen Variant Classification Criteria Version 2. Collection method: clinical testing. Allele origin: germline. Affected: yes. Observed: 1 variant allele.
Comment: RGPD4: BP4, BP7